The following is an entry in ClinVar:

ClinVar aggregate classification (germline): Uncertain significance. Review status: criteria provided, multiple submitters, no conflicts (2 of 4 stars). 8 submissions from 8 submitters: Uncertain significance (7). 1 of the submissions does not count toward it. Last evaluated 2026-01-20.

Conditions:
CFTR-related disorder (CFTR-RD). Also called: CFTR-related disorders; CFTR-related condition. Identifiers: MedGen C5924204, MONDO:7770004.
Cystic fibrosis (CF). Also called: MUCOVISCIDOSIS. Identifiers: Orphanet 586, MedGen C0010674, MONDO:0009061, OMIM 219700. Disease mechanism: loss of function.

Allele frequency attached by ClinVar (database versions not stated): gnomAD exomes 0.00003 and 0.00012; ExAC 0.00001; TOPMed 0.00003; gnomAD 0.00004.
gnomAD v4.1: 172 of 1,607,930 alleles (0.011%); highest among the groups gnomAD compares: Non-Finnish European, 0.014%; no homozygotes.

Submissions (8):

Labcorp Genetics (formerly Invitae), Labcorp
Classification: Uncertain significance for Cystic fibrosis. Last evaluated: 2026-01-20. Review status: criteria provided, single submitter. Criteria: Invitae Variant Classification Sherloc (09022015). Collection method: clinical testing. Allele origin: germline.
Comment: This sequence change replaces isoleucine, which is neutral and non-polar, with valine, which is neutral and non-polar, at codon 119 of the CFTR protein (p.Ile119Val). This variant is present in population databases (rs193922518, gnomAD 0.006%). This variant has not been reported in the literature in individuals affected with CFTR-related conditions. ClinVar contains an entry for this variant (Variation ID: 35870). Invitae Evidence Modeling of protein sequence and biophysical properties (such as structural, functional, and spatial information, amino acid conservation, physicochemical variation, residue mobility, and thermodynamic stability) indicates that this missense variant is expected to disrupt CFTR protein function with a positive predictive value of 80%. In summary, the available evidence is currently insufficient to determine the role of this variant in disease. Therefore, it has been classified as a Variant of Uncertain Significance.

Ambry Genetics
Classification: Uncertain significance for Cystic fibrosis. Last evaluated: 2025-12-02. Review status: criteria provided, single submitter. Criteria: Ambry Variant Classification Scheme 2023. Collection method: clinical testing. Allele origin: germline.
Comment: The p.I119V variant (also known as c.355A>G), located in coding exon 4 of the CFTR gene, results from an A to G substitution at nucleotide position 355. The isoleucine at codon 119 is replaced by valine, an amino acid with highly similar properties. This variant was identified in one asymptomatic carrier with p.F508del in trans (Claustres M et al. Hum. Mutat., 2017 10;38:1297-1315). This amino acid position is not well conserved in available vertebrate species. In addition, this alteration is predicted to be deleterious by in silico analysis. Based on available evidence to date, the clinical significance of this alteration remains unclear.

Women's Health and Genetics/Laboratory Corporation of America, LabCorp
Classification: Uncertain significance. Last evaluated: 2025-08-14. Review status: criteria provided, single submitter. Criteria: LabCorp Variant Classification Summary - May 2015. Collection method: clinical testing. Allele origin: germline.
Comment: Variant summary: CFTR c.355A>G (p.Ile119Val) results in a conservative amino acid change located in the ABC transporter type 1, transmembrane domain of the encoded protein sequence. Algorithms developed to predict the effect of missense changes on protein structure and function are either unavailable or do not agree on the potential impact of this missense change. The variant allele was found at a frequency of 2.8e-05 in 250942 control chromosomes (gnomAD). The available data on variant occurrences in the general population are insufficient to allow any conclusion about variant significance. To our knowledge, no occurrence of c.355A>G in individuals affected with Cystic Fibrosis and no experimental evidence demonstrating its impact on protein function have been reported in the literature. CFTR-France database reports one asymptomatic patient that is compound heterozygote for the variant and p.F508del, a CF-causing variant (listed in Claustres_2017). The Sick Kids Cystic Fibrosis Mutation Database reports that the variant was found in a (probable) CF patient whose other variant is as yet unidentified; patient is reported with recurrent chest infections but normal sweat tests. More recently, this variant has been reported as being observed in one allele within the COPDGene study, an observational study of current and former smokers (example, Saferali_2022). These reports do not provide unequivocal conclusions about association of the variant with Cystic Fibrosis/CFTR-related disorders. The following publications have been ascertained in the context of this evaluation (PMID: 28603918, 34996830). ClinVar contains an entry for this variant (Variation ID: 35870). Based on the evidence outlined above, the variant was classified as uncertain significance.

ARUP Laboratories, Molecular Genetics and Genomics, ARUP Laboratories
Classification: Uncertain significance. Last evaluated: 2023-09-27. Review status: criteria provided, single submitter. Criteria: ARUP Molecular Germline Variant Investigation Process 2024. Collection method: clinical testing. Allele origin: germline.
Comment: The CFTR c.355A>G; p.Ile119Val variant (rs193922518), is reported in a large COPD cohort but without clear disease association (Saferali 2022). This variant has also been reported in the Cystic Fibrosis Mutation Database in an individual with probable CF, but a second variant was not identified (see link). This variant is reported in ClinVar (Variation ID: 35870), and is found in the general population with an overall allele frequency of 0.003% (8/282,340 alleles) in the Genome Aggregation Database. Computational analyses are uncertain whether this variant is neutral or deleterious (REVEL: 0.611). Due to limited information, the clinical significance of this variant is uncertain at this time. REFERENCES Cystic Fibrosis Mutation Database: Saferali A et al. CFTR variants are associated with chronic bronchitis in smokers. Eur Respir J. 2022 Aug 10;60(2):2101994. PMID: 34996830.

Genome-Nilou Lab
Classification: Uncertain significance for Cystic fibrosis. Last evaluated: 2021-09-05. Review status: criteria provided, single submitter. Criteria: ACMG Guidelines, 2015. Collection method: clinical testing. Allele origin: germline. Affected: no.

GeneDx
Classification: Uncertain significance. Last evaluated: 2017-06-08. Review status: criteria provided, single submitter. Criteria: GeneDx Variant Classification (06012015). Collection method: clinical testing. Allele origin: germline. Affected: yes.
Comment: The I119V variant in the CFTR gene has not been reported previously in the medical literature as a pathogenic variant, nor as a benign variant, to our knowledge. However, the I119V variant is reported as likely pathogenic in ClinVar by a different clinical laboratory, but additional evidence is not available (ClinVar SCV000052177.1; Landrum et al., 2016). The I119V variant is not observed at a significant frequency in large population cohorts (Lek et al., 2016; 1000 Genomes Consortium et al., 2015; Exome Variant Server). The I119V variant is a conservative amino acid substitution, which is not likely to impact secondary protein structure as these residues share similar properties. This substitution occurs at a position that is conserved in mammals, however, in silico analysis is inconsistent in its predictions as to whether or not the variant is damaging to the protein structure/function. Missense variants in nearby residues (N113I, E116K, E116Q, R117G, R117C, R117L, R117P, A120T, Y122H, Y122C) have been reported in the Human Gene Mutation Database in association with CFTR-related disorders (Stenson et al., 2014), supporting the functional importance of this region of the protein. We interpret I119V as a variant of uncertain significance.

Illumina Laboratory Services, Illumina
Classification: Uncertain significance for CFTR-Related Disorders. Last evaluated: 2017-04-28. Review status: criteria provided, single submitter. Criteria: ICSL Variant Classification Criteria 13 December 2019. Collection method: clinical testing. Allele origin: germline.

Natera, Inc.
Classification: Uncertain significance for CFTR-related disorders. Last evaluated: 2018-06-06. Review status: no assertion criteria provided. Collection method: clinical testing. Allele origin: germline. Not counted in ClinVar's aggregate classification.

Literature cited by the submitters: PubMed 28603918 (cited by Ambry Genetics and Women's Health and Genetics/Laboratory Corporation of America, LabCorp); PubMed 34996830 (cited by Women's Health and Genetics/Laboratory Corporation of America, LabCorp).

NM_000492.4(CFTR):c.355A>G (p.Ile119Val)

Gene: CFTR (CF transmembrane conductance regulator; plus strand). Cytogenetic location: 7q31.2.
Variant type: single nucleotide variant.
Coding change: c.355A>G on transcript NM_000492.4 (MANE Select); coding-DNA position 355, A replaced by G.
Protein change: p.Ile119Val; replaces isoleucine 119 with valine.
Molecular consequence: missense variant.
Genome position (GRCh38, 1-based): chr7:117,530,980, A>G. VCF-style: chr7-117530980-A-G. GRCh37 (hg19) VCF-style: chr7-117171034-A-G.
Other names: short protein forms I119V.
Identifiers: ClinVar variation 35870 (VCV000035870.31), dbSNP rs193922518, ClinGen allele CA260237.